The following is an entry in ClinVar:

NM_001130987.2(DYSF):c.2365C>T (p.Gln789Ter)

Gene: DYSF (dysferlin; plus strand). Cytogenetic location: 2p13.2.
Variant type: single nucleotide variant.
Coding change: c.2365C>T on transcript NM_001130987.2 (MANE Select); coding-DNA position 2365, C replaced by T.
Protein change: p.Gln789Ter; replaces glutamine 789 with a stop codon.
Molecular consequence: nonsense.
Genome position (GRCh38, 1-based): chr2:71,561,900, C>T. VCF-style: chr2-71561900-C-T. GRCh37 (hg19) VCF-style: chr2-71789030-C-T.
Other names: c.2314C>T, p.Gln772Ter (NM_001130455.2, NM_001130983.2); c.2269C>T, p.Gln757Ter (NM_001130976.2, NM_001130977.2); c.2311C>T, p.Gln771Ter (NM_001130978.2, NM_003494.4); c.2404C>T, p.Gln802Ter (NM_001130979.2); c.2362C>T, p.Gln788Ter (NM_001130980.2, NM_001130981.2); c.2407C>T, p.Gln803Ter (NM_001130982.2); c.2272C>T, p.Gln758Ter (NM_001130984.2, NM_001130986.2); c.2365C>T, p.Gln789Ter (NM_001130985.2); short protein forms Q771*, Q789*, Q757*, Q788*, Q802*, Q803*, Q758*, Q772*.
Identifiers: ClinVar variation 94286 (VCV000094286.26), dbSNP rs398123773, ClinGen allele CA222137.

ClinVar aggregate classification (germline): Pathogenic/Likely pathogenic. Review status: criteria provided, multiple submitters, no conflicts (2 of 4 stars). 8 submissions from 8 submitters: Pathogenic (6); Likely pathogenic (1). 1 of the submissions does not count toward it. Last evaluated 2024-09-24.

Conditions:
Autosomal recessive limb-girdle muscular dystrophy type 2B (LGMDR2). Also called: MUSCULAR DYSTROPHY, LIMB-GIRDLE, TYPE 3; Limb-girdle muscular dystrophy, type 2B; Limb-Girdle Muscular Dystrophy Type 2B (LGMD2B); MUSCULAR DYSTROPHY, LIMB-GIRDLE, AUTOSOMAL RECESSIVE 2. Identifiers: Orphanet 268, MedGen C1850889, MONDO:0009676, OMIM 253601.
Miyoshi muscular dystrophy 1 (MMD1). Identifiers: Orphanet 45448, MedGen C4551973, MONDO:0024545, OMIM 254130.
Distal myopathy with anterior tibial onset. Identifiers: Orphanet 178400, MedGen C1847532, MONDO:0011721, OMIM 606768.
Neuromuscular disease caused by qualitative or quantitative defects of dysferlin. Also called: Dysferlinopathy; Qualitative or quantitative defects of dysferlin. Identifiers: Orphanet 207073, MedGen C2931687, MONDO:0016145.

Submissions (8):

Natera, Inc.
Classification: Pathogenic for Limb-girdle muscular dystrophy type 2B. Last evaluated: 2024-09-24. Review status: criteria provided, single submitter. Criteria: Natera Variant Classification Schema (03/2026). Collection method: clinical testing. Allele origin: germline.
Comment: The c.2311C>T variant in DYSF is a nonsense variant predicted to introduce a stop codon at amino acid 771. This variant is expected to result in nonsense mediated decay, truncation, or a dysfunctional protein product. This variant is rare in the general population with a frequency below the threshold expected for the associated phenotype(s). This variant has been observed in one or more individuals affected with the associated recessive disease, as either homozygous or compound heterozygous with a second variant (PMID: 32576226). Given the available evidence, this variant is classified as Pathogenic.

Fulgent Genetics
Classification: Pathogenic for Autosomal recessive limb-girdle muscular dystrophy type 2B; Miyoshi muscular dystrophy 1; Distal myopathy with anterior tibial onset. Last evaluated: 2024-04-02. Review status: criteria provided, single submitter. Criteria: ACMG Guidelines, 2015. Collection method: clinical testing. Allele origin: germline.

Baylor Genetics
Classification: Pathogenic for Miyoshi muscular dystrophy 1. Last evaluated: 2023-09-14. Review status: criteria provided, single submitter. Criteria: ACMG Guidelines, 2015. Collection method: clinical testing. Allele origin: unknown.

Labcorp Genetics (formerly Invitae), Labcorp
Classification: Pathogenic for Neuromuscular disease caused by qualitative or quantitative defects of dysferlin. Last evaluated: 2021-12-22. Review status: criteria provided, single submitter. Criteria: Invitae Variant Classification Sherloc (09022015). Collection method: clinical testing. Allele origin: germline.
Comment: This sequence change creates a premature translational stop signal (p.Gln771*) in the DYSF gene. It is expected to result in an absent or disrupted protein product. Loss-of-function variants in DYSF are known to be pathogenic (PMID: 17698709, 20301480). This variant is not present in population databases (gnomAD no frequency). This premature translational stop signal has been observed in individual(s) with DYSF-related conditions (PMID: 26000923, 32576226, 33610434, 33613410). ClinVar contains an entry for this variant (Variation ID: 94286). Algorithms developed to predict the effect of sequence changes on RNA splicing suggest that this variant may create or strengthen a splice site. For these reasons, this variant has been classified as Pathogenic.

Revvity Omics, Revvity
Classification: Pathogenic. Last evaluated: 2019-08-20. Review status: criteria provided, single submitter. Criteria: ACMG Guidelines, 2015. Collection method: clinical testing. Allele origin: germline.

Eurofins Ntd Llc (ga)
Classification: Pathogenic. Last evaluated: 2013-04-08. Review status: criteria provided, single submitter. Criteria: EGL Classification Definitions. Collection method: clinical testing. Allele origin: germline. Observed: 1 variant allele, 1 heterozygote.

Juno Genomics, Hangzhou Juno Genomics, Inc
Classification: Likely pathogenic for Miyoshi muscular dystrophy 1; Autosomal recessive limb-girdle muscular dystrophy type 2B; Distal myopathy with anterior tibial onset. Review status: criteria provided, single submitter. Criteria: ACMG Guidelines, 2015. Collection method: clinical testing. Allele origin: germline.
Comment: Null variant in a gene where loss of function (LOF) is a known mechanism of disease.;Absent from controls (or at extremely low frequency if recessive) in Genome Aggregation Database.

Department of Neurology, Guangzhou First People’s Hospital, School of Medicine, South China University of Technology
Classification: Pathogenic for Distal myopathy with anterior tibial onset. Last evaluated: 2019-07-01. Review status: no assertion criteria provided. Collection method: reference population. Allele origin: maternal. Affected: yes. Not counted in ClinVar's aggregate classification.

Literature cited by the submitters: PubMed 32576226 (cited by Natera, Inc. and Labcorp Genetics (formerly Invitae), Labcorp); PubMed 17698709 (cited by Labcorp Genetics (formerly Invitae), Labcorp); PubMed 20301480 (cited by Labcorp Genetics (formerly Invitae), Labcorp); PubMed 26000923 (cited by Labcorp Genetics (formerly Invitae), Labcorp); PubMed 33610434 (cited by Labcorp Genetics (formerly Invitae), Labcorp); PubMed 33613410 (cited by Labcorp Genetics (formerly Invitae), Labcorp).